The following is an entry in ClinVar:

NM_025179.4(PLXNA2):c.2859C>A (p.Asn953Lys)

Gene: PLXNA2 (plexin A2; minus strand). Cytogenetic location: 1q32.2.
Variant type: single nucleotide variant.
Coding change: c.2859C>A on transcript NM_025179.4 (MANE Select); coding-DNA position 2859, C replaced by A.
Protein change: p.Asn953Lys; replaces asparagine 953 with lysine.
Molecular consequence: missense variant.
Genome position (GRCh38, 1-based): chr1:208,052,461, G>T on the plus strand (C>A on the coding strand, the complement: PLXNA2 is on the minus strand). VCF-style: chr1-208052461-G-T. GRCh37 (hg19) VCF-style: chr1-208225806-G-T.
Other names: short protein forms N953K.
Identifiers: ClinVar variation 2628748 (VCV002628748.1), dbSNP rs2526514805, ClinGen allele CA344565493.
Genomic context (GRCh38, chr1:208,052,461, plus strand): 5'-GGTCACCATAGTGCCTCCTGACTCGGGACCTCGGATTGGGTTGAGTGACAGCACAGAAGG[G>T]TTCTTTGGAAAGAAGCAGAGAAATGACTACAGCTTAGGTTTTCTCCAAAAGGATGGACCA-3'
Protein context (NP_079455.3, residues 943-963): TKSHQQYTFV[Asn953Lys]PSVLSLNPIR

ClinVar aggregate classification (germline): Uncertain significance (1 of 4 stars; one submission).

Conditions:
PLXNA2-related disorder. Also called: PLXNA2-related condition.

Submission:

PreventionGenetics, part of Exact Sciences
Classification: Uncertain significance for PLXNA2-related condition. Last evaluated: 2022-11-23. Review status: criteria provided, single submitter. Criteria: ACMG Guidelines, 2015. Collection method: clinical testing. Allele origin: germline.
Comment: The PLXNA2 c.2859C>A variant is predicted to result in the amino acid substitution p.Asn953Lys. To our knowledge, this variant has not been reported in the literature or in a large population database, indicating this variant is rare. At this time, the clinical significance of this variant is uncertain due to the absence of conclusive functional and genetic evidence.